The following is an entry in ClinVar:

ClinVar aggregate classification (germline): Uncertain significance (1 of 4 stars; one submission).

Submission:

CeGaT Center for Human Genetics Tuebingen
Classification: Uncertain significance. Last evaluated: 2024-08-01. Review status: criteria provided, single submitter. Criteria: CeGaT Center For Human Genetics Tuebingen Variant Classification Criteria Version 2. Collection method: clinical testing. Allele origin: germline. Affected: yes. Observed: 1 variant allele.
Comment: ZNF469: PM2, BP4

NM_001367624.2(ZNF469):c.3394G>C (p.Glu1132Gln)

Gene: ZNF469 (zinc finger protein 469; plus strand). Cytogenetic location: 16q24.2.
Variant type: single nucleotide variant.
Coding change: c.3394G>C on transcript NM_001367624.2 (MANE Select); coding-DNA position 3394, G replaced by C.
Protein change: p.Glu1132Gln; replaces glutamic acid 1132 with glutamine.
Molecular consequence: missense variant.
Genome position (GRCh38, 1-based): chr16:88,430,864, G>C. VCF-style: chr16-88430864-G-C. GRCh37 (hg19) VCF-style: chr16-88497272-G-C.
Other names: short protein forms E1132Q.
Identifiers: ClinVar variation 3342001 (VCV003342001.16).